The following is an entry in ClinVar:

NM_015046.7(SETX):c.6646A>G (p.Ile2216Val)

Gene: SETX (senataxin; minus strand). Cytogenetic location: 9q34.13.
Variant type: single nucleotide variant.
Coding change: c.6646A>G on transcript NM_015046.7 (MANE Select); coding-DNA position 6646, A replaced by G.
Protein change: p.Ile2216Val; replaces isoleucine 2216 with valine.
Molecular consequence: missense variant.
Genome position (GRCh38, 1-based): chr9:132,281,475, T>C on the plus strand (A>G on the coding strand, the complement: SETX is on the minus strand). VCF-style: chr9-132281475-T-C. GRCh37 (hg19) VCF-style: chr9-135156862-T-C.
Other names: c.6646A>G, p.Ile2216Val (NM_001351527.2, NM_001351528.2); short protein forms I2216V.
Identifiers: ClinVar variation 4791378 (VCV004791378.1).
Genomic context (GRCh38, chr9:132,281,475, plus strand): 5'-AATTTTAAAAAGCCCCTTCCATTTTAAAGCAATCTGAACATAAAAAACTTACCATAGAGA[T>C]GACTGTCGGAGGGAGCTGCTTAGGATCTCCTACTAGGATGAGCTTATTGCAGCGATGGAT-3'
Protein context (NP_055861.3, residues 2206-2226): GDPKQLPPTV[Ile2216Val]SMKAQEYGYD

ClinVar aggregate classification (germline): Uncertain significance (1 of 4 stars; one submission).

Conditions:
Spinocerebellar ataxia, autosomal recessive, with axonal neuropathy 2 (SCAN2). Also called: ATAXIA-OCULOMOTOR APRAXIA 2; Ataxia-ocular apraxia-2; Ataxia with Oculomotor Apraxia; Ataxia with Oculomotor Apraxia Type 2. Identifiers: Orphanet 64753, MedGen C1853761, MONDO:0018996, OMIM 606002.
Amyotrophic lateral sclerosis type 4 (ALS4). Also called: AMYOTROPHIC LATERAL SCLEROSIS 4, JUVENILE; NEURONOPATHY, DISTAL HEREDITARY MOTOR, WITH PYRAMIDAL FEATURES. Identifiers: Orphanet 357043, MedGen C1865409, MONDO:0011223, OMIM 602433.

Submission:

Labcorp Genetics (formerly Invitae), Labcorp
Classification: Uncertain significance for Amyotrophic lateral sclerosis type 4; Spinocerebellar ataxia, autosomal recessive, with axonal neuropathy 2. Last evaluated: 2025-11-25. Review status: criteria provided, single submitter. Criteria: Invitae Variant Classification Sherloc (09022015). Collection method: clinical testing. Allele origin: germline.
Comment: This sequence change replaces isoleucine, which is neutral and non-polar, with valine, which is neutral and non-polar, at codon 2216 of the SETX protein (p.Ile2216Val). This variant is not present in population databases (gnomAD no frequency). This variant has not been reported in the literature in individuals affected with SETX-related conditions. Invitae Evidence Modeling of protein sequence and biophysical properties (such as structural, functional, and spatial information, amino acid conservation, physicochemical variation, residue mobility, and thermodynamic stability) indicates that this missense variant is not expected to disrupt SETX protein function with a negative predictive value of 95%. In summary, the available evidence is currently insufficient to determine the role of this variant in disease. Therefore, it has been classified as a Variant of Uncertain Significance.